The following is an entry in ClinVar:

NM_000448.3(RAG1):c.1421G>A (p.Arg474His)

Gene: RAG1 (recombination activating 1; plus strand). Cytogenetic location: 11p12.
Variant type: single nucleotide variant.
Coding change: c.1421G>A on transcript NM_000448.3 (MANE Select); coding-DNA position 1421, G replaced by A.
Protein change: p.Arg474His; replaces arginine 474 with histidine.
Molecular consequence: missense variant.
Genome position (GRCh38, 1-based): chr11:36,574,725, G>A. VCF-style: chr11-36574725-G-A. GRCh37 (hg19) VCF-style: chr11-36596275-G-A.
Other names: c.1421G>A, p.Arg474His (NM_001377277.1, NM_001377278.1, NM_001377279.1 and 1 more transcripts); short protein forms R474H.
Identifiers: ClinVar variation 68684 (VCV000068684.34), dbSNP rs199474686, ClinGen allele CA219809.

ClinVar aggregate classification (germline): Pathogenic/Likely pathogenic. Review status: criteria provided, multiple submitters, no conflicts (2 of 4 stars). 10 submissions from 10 submitters: Pathogenic (8); Likely pathogenic (1). 1 of the submissions does not count toward it. Last evaluated 2026-10-06.

Conditions:
Respiratory ciliopathies including non-CF bronchiectasis.
RAG1-related disorder. Also called: RAG1-related disorders; RAG1-related condition.
Severe combined immunodeficiency, autosomal recessive, T cell-negative, B cell-negative, NK cell-positive. Also called: SCID, T CELL-NEGATIVE, B CELL-NEGATIVE, NK CELL-POSITIVE; Severe combined immunodeficiency due to complete RAG1/2 deficiency; SCID, AR, T-cell negative, B-cell negative, NK cell-positive. Identifiers: Orphanet 331206, MedGen C1832322, MONDO:0011086, OMIM 601457.
Combined immunodeficiency with skin granulomas. Identifiers: Orphanet 157949, MedGen C2673536, MONDO:0009306, OMIM 233650.
Histiocytic medullary reticulosis. Also called: SEVERE COMBINED IMMUNODEFICIENCY WITH HYPEREOSINOPHILIA; Omenn syndrome. Identifiers: Orphanet 39041, MedGen C2700553, MONDO:0011338, OMIM 603554.
Combined immunodeficiency due to partial RAG1 deficiency. Identifiers: Orphanet 231154, MedGen C1835931, MONDO:0012359, OMIM 609889.
Severe combined immunodeficiency disease. Also called: Severe combined immunodeficiency; Severe Combined Immune Deficiency. Identifiers: Orphanet 183660, MedGen C0085110, MeSH D016511, MONDO:0015974, HP:0004430. Inheritance: X-Linked or Autosomal recessive.

Allele frequency attached by ClinVar (database versions not stated): gnomAD 0.00001; TOPMed 0.00002; gnomAD exomes 0.00004 and 0.00006; ExAC 0.00007.
gnomAD v4.1: 66 of 1,614,244 alleles (0.0041%); highest among the groups gnomAD compares: South Asian, 0.024%; no homozygotes.

Submissions (10):

NHS Central & South Genomic Laboratory Hub
Classification: Likely pathogenic for Respiratory ciliopathies including non-CF bronchiectasis. Last evaluated: 2026-10-06. Review status: criteria provided, single submitter. Criteria: ACMG Guidelines, 2015. Collection method: clinical testing. Allele origin: germline. Affected: yes.

PreventionGenetics, part of Exact Sciences
Classification: Pathogenic for RAG1-related condition. Last evaluated: 2026-02-26. Review status: criteria provided, single submitter. Criteria: ACMG Guidelines, 2015. Collection method: clinical testing. Allele origin: germline.
Comment: The RAG1 c.1421G>A variant is predicted to result in the amino acid substitution p.Arg474His. This variant has been reported in the compound heterozygous state in multiple unrelated individuals with Omenn syndrome (Villa et al. 2001. PubMed ID: 11133745; Corneo et al 2001. PubMed ID: 11313270; Gruber et al 2008. PubMed ID: 18822103; Schönberger et al 2008. PubMed ID: 19064334; Aluri et al 2019. PubMed ID: 30778343). In vitro V(D)J recombination assay with the p.Arg474His variant showed that the recombination frequencies were dramatically reduced compared to those obtained with wild type RAG1 (Corneo et al 2001. PubMed ID: 11313270). This variant is reported in 0.023% of alleles in individuals of South Asian descent in gnomAD. This variant is interpreted as pathogenic.

Labcorp Genetics (formerly Invitae), Labcorp
Classification: Pathogenic for Combined immunodeficiency with skin granulomas; Severe combined immunodeficiency, autosomal recessive, T cell-negative, B cell-negative, NK cell-positive. Last evaluated: 2026-01-12. Review status: criteria provided, single submitter. Criteria: Invitae Variant Classification Sherloc (09022015). Collection method: clinical testing. Allele origin: germline.
Comment: This sequence change replaces arginine, which is basic and polar, with histidine, which is basic and polar, at codon 474 of the RAG1 protein (p.Arg474His). This variant is present in population databases (rs199474686, gnomAD 0.02%). This missense change has been observed in individuals with Omenn Syndrome (PMID: 11133745, 11313270, 18822103). This variant is also known as 1533G>A. ClinVar contains an entry for this variant (Variation ID: 68684). Invitae Evidence Modeling of protein sequence and biophysical properties (such as structural, functional, and spatial information, amino acid conservation, physicochemical variation, residue mobility, and thermodynamic stability) has been performed for this missense variant. However, the output from this modeling did not meet the statistical confidence thresholds required to predict the impact of this variant on RAG1 protein function. Experimental studies have shown that this missense change affects RAG1 function (PMID: 11313270). This variant disrupts the p.Arg474 amino acid residue in RAG1. Other variant(s) that disrupt this residue have been observed in individuals with RAG1-related conditions (19064334and16960852), which suggests that this may be a clinically significant amino acid residue. For these reasons, this variant has been classified as Pathogenic.

CeGaT Center for Human Genetics Tuebingen
Classification: Pathogenic. Last evaluated: 2025-07-01. Review status: criteria provided, single submitter. Criteria: CeGaT Center For Human Genetics Tuebingen Variant Classification Criteria Version 2. Collection method: clinical testing. Allele origin: germline. Affected: yes. Observed: 1 variant allele.
Comment: RAG1: PM3:Very Strong, PM2, PM5, PM1:Supporting, PP3

Baylor Genetics
Classification: Pathogenic for Combined immunodeficiency due to partial RAG1 deficiency. Last evaluated: 2024-03-20. Review status: criteria provided, single submitter. Criteria: ACMG Guidelines, 2015. Collection method: clinical testing. Allele origin: unknown.

Fulgent Genetics
Classification: Pathogenic for Combined immunodeficiency with skin granulomas; Severe combined immunodeficiency, autosomal recessive, T cell-negative, B cell-negative, NK cell-positive; Histiocytic medullary reticulosis; Combined immunodeficiency due to partial RAG1 deficiency. Last evaluated: 2024-03-19. Review status: criteria provided, single submitter. Criteria: ACMG Guidelines, 2015. Collection method: clinical testing. Allele origin: germline.

Revvity Omics, Revvity
Classification: Pathogenic. Last evaluated: 2022-09-12. Review status: criteria provided, single submitter. Criteria: ACMG Guidelines, 2015. Collection method: clinical testing. Allele origin: germline.

Foundation for Research in Genetics and Endocrinology, FRIGE's Institute of Human Genetics
Classification: Pathogenic for Histiocytic medullary reticulosis. Last evaluated: 2022-04-27. Review status: criteria provided, single submitter. Criteria: ACMG Guidelines, 2015. Collection method: clinical testing. Allele origin: unknown. Inheritance: Autosomal recessive inheritance. Affected: yes. Observed: 1 heterozygote.
Comment: A heterozygous missense variation in exon 2 of the RAG1 gene that results in the amino acid substitution of Histidine for Arginine at codon 474 was detected. The variant has previously been reported in patients affected with severe combined immunodeficiency and it lies in the recombination-activation protein 1, recombinase domain of the RAG1 protein. The observed variant p.Arg474His variant has not been reported in the 1000 genomes and gnomAD databases. The in silico prediction of the variant are probably done by PolyPhen-2 (HumDiv) and damaging by LRT and MutationTaster2. The reference codon is conserved across species.

Women's Health and Genetics/Laboratory Corporation of America, LabCorp
Classification: Pathogenic for Severe combined immunodeficiency disease. Last evaluated: 2021-08-26. Review status: criteria provided, single submitter. Criteria: LabCorp Variant Classification Summary - May 2015. Collection method: clinical testing. Allele origin: germline.
Comment: Variant summary: RAG1 c.1421G>A (p.Arg474His) results in a non-conservative amino acid change in the encoded protein sequence. Five of five in-silico tools predict a damaging effect of the variant on protein function. The variant allele was found at a frequency of 6.4e-05 in 251068 control chromosomes (gnomAD). This frequency is not higher than expected for a pathogenic variant in RAG1 causing Severe Combined Immunodeficiency Syndrome/Omenn Syndrome (6.4e-05 vs 0.00071), allowing no conclusion about variant significance. c.1421G>A has been reported in the literature in multiple individuals affected with Severe Combined Immunodeficiency Syndrome/Omenn Syndrome (e.g. Corneo_2001, Villa_2001, Aluri_2019, Farmer_2019). These data indicate that the variant is very likely to be associated with disease. Experimental evidence evaluating an impact on protein function demonstrated the variant to have decreased V(D)J recombination activity in vitro (Corneo_2001). A ClinVar submitter (evaluation after 2014) cites the variant as pathogenic. Based on the evidence outlined above, the variant was classified as pathogenic.

UniProtKB/Swiss-Prot
No classification provided. Review status: no classification provided. Collection method: not provided. Allele origin: not provided. Not counted in ClinVar's aggregate classification.

Literature cited by the submitters: PubMed 11133745 (cited by Labcorp Genetics (formerly Invitae), Labcorp and Women's Health and Genetics/Laboratory Corporation of America, LabCorp); PubMed 11313270 (cited by Labcorp Genetics (formerly Invitae), Labcorp and Women's Health and Genetics/Laboratory Corporation of America, LabCorp); PubMed 18822103 (cited by Labcorp Genetics (formerly Invitae), Labcorp); PubMed 30778343 (cited by Women's Health and Genetics/Laboratory Corporation of America, LabCorp); PubMed 30877075 (cited by Women's Health and Genetics/Laboratory Corporation of America, LabCorp); PubMed 33628209 (cited by Women's Health and Genetics/Laboratory Corporation of America, LabCorp); PubMed 33365035 (cited by Women's Health and Genetics/Laboratory Corporation of America, LabCorp).